The following is an entry in ClinVar:

ClinVar aggregate classification (germline): Uncertain significance (1 of 4 stars; one submission).

Conditions:
Chédiak-Higashi syndrome (CHS). Also called: Chediak-Higashi Syndrome. Identifiers: Orphanet 167, MedGen C0007965, MONDO:0008963, OMIM 214500.

Allele frequency attached by ClinVar (database versions not stated): gnomAD exomes below 0.00001; TOPMed below 0.00001; gnomAD 0.00001.
gnomAD v4.1: 5 of 1,613,938 alleles (0.00031%); highest among the groups gnomAD compares: Non-Finnish European, 0.00042%; no homozygotes.

Submission:

Labcorp Genetics (formerly Invitae), Labcorp
Classification: Uncertain significance for Chédiak-Higashi syndrome. Last evaluated: 2025-01-06. Review status: criteria provided, single submitter. Criteria: Invitae Variant Classification Sherloc (09022015). Collection method: clinical testing. Allele origin: germline.
Comment: This sequence change replaces cysteine, which is neutral and slightly polar, with tyrosine, which is neutral and polar, at codon 2127 of the LYST protein (p.Cys2127Tyr). This variant is not present in population databases (gnomAD no frequency). This variant has not been reported in the literature in individuals affected with LYST-related conditions. ClinVar contains an entry for this variant (Variation ID: 2201461). Invitae Evidence Modeling of protein sequence and biophysical properties (such as structural, functional, and spatial information, amino acid conservation, physicochemical variation, residue mobility, and thermodynamic stability) indicates that this missense variant is not expected to disrupt LYST protein function with a negative predictive value of 80%. In summary, the available evidence is currently insufficient to determine the role of this variant in disease. Therefore, it has been classified as a Variant of Uncertain Significance.

NM_000081.4(LYST):c.6380G>A (p.Cys2127Tyr)

Gene: LYST (lysosomal trafficking regulator; minus strand). Cytogenetic location: 1q42.3.
Variant type: single nucleotide variant.
Coding change: c.6380G>A on transcript NM_000081.4 (MANE Select); coding-DNA position 6380, G replaced by A.
Protein change: p.Cys2127Tyr; replaces cysteine 2127 with tyrosine.
Molecular consequence: missense variant.
Genome position (GRCh38, 1-based): chr1:235,759,473, C>T on the plus strand (G>A on the coding strand, the complement: LYST is on the minus strand). VCF-style: chr1-235759473-C-T. GRCh37 (hg19) VCF-style: chr1-235922773-C-T.
Other names: c.6380G>A, p.Cys2127Tyr (NM_001301365.1); short protein forms C2127Y.
Identifiers: ClinVar variation 2201461 (VCV002201461.3), dbSNP rs1439947110, ClinGen allele CA344942405.
Genomic context (GRCh38, chr1:235,759,473, plus strand): 5'-TGTTTCTTTGATTGGGTGGCAACATAAGTATCTGCAATATTTTGTAACCTGTCGATACTA[C>T]AACCCAAACTTCCAGTCAGTTTTTGTGATTGCGTTAGTAGTGAAGAAGTAGGGAATGCTG-3'
Protein context (NP_000072.2, residues 2117-2137): QSQKLTGSLG[Cys2127Tyr]SIDRLQNIAD